The following is an entry in ClinVar:

ClinVar aggregate classification (germline): Uncertain significance. Review status: criteria provided, multiple submitters, no conflicts (2 of 4 stars). 3 submissions from 3 submitters: Uncertain significance (2). 1 of the submissions does not count toward it. Last evaluated 2024-08-20.

Conditions:
Nemaline myopathy 2 (NEM2). Also called: Nemaline myopathy 2, autosomal recessive. Identifiers: MedGen C1850569, MONDO:0009725, OMIM 256030.
Inborn genetic diseases. Identifiers: MedGen C0950123, MeSH D030342.

Allele frequency attached by ClinVar (database versions not stated): gnomAD exomes 0.00001 and 0.00002; gnomAD 0.00002; TOPMed 0.00002; ExAC 0.00005; ESP Exome Variant Server 0.00008.
gnomAD v4.1: 17 of 1,598,458 alleles (0.0011%); highest among the groups gnomAD compares: Non-Finnish European, 0.0015%; no homozygotes.

Submissions (3):

Ambry Genetics
Classification: Uncertain significance for Inborn genetic diseases. Last evaluated: 2024-08-20. Review status: criteria provided, single submitter. Criteria: Ambry Variant Classification Scheme 2023. Collection method: clinical testing. Allele origin: germline.

Labcorp Genetics (formerly Invitae), Labcorp
Classification: Uncertain significance for Nemaline myopathy 2. Last evaluated: 2021-08-24. Review status: criteria provided, single submitter. Criteria: Invitae Variant Classification Sherloc (09022015). Collection method: clinical testing. Allele origin: germline.
Comment: This sequence change replaces leucine with proline at codon 8454 of the NEB protein (p.Leu8454Pro). The leucine residue is moderately conserved and there is a moderate physicochemical difference between leucine and proline. This variant is present in population databases (rs370819880, ExAC 0.01%). This variant has not been reported in the literature in individuals affected with NEB-related conditions. Algorithms developed to predict the effect of missense changes on protein structure and function are either unavailable or do not agree on the potential impact of this missense change (SIFT: "Deleterious"; PolyPhen-2: "Not Available"; Align-GVGD: "Class C0"). In summary, the available evidence is currently insufficient to determine the role of this variant in disease. Therefore, it has been classified as a Variant of Uncertain Significance.

Natera, Inc.
Classification: Uncertain significance for Nemaline myopathy type 2. Last evaluated: 2019-11-11. Review status: no assertion criteria provided. Collection method: clinical testing. Allele origin: germline. Not counted in ClinVar's aggregate classification.

NM_001164508.2(NEB):c.25256T>C (p.Leu8419Pro)

Genes: NEB (nebulin; minus strand), RIF1 (replication timing regulatory factor 1; plus strand). Cytogenetic location: 2q23.3.
Variant type: single nucleotide variant.
Coding change: c.25256T>C on transcript NM_001164508.2 (MANE Select); coding-DNA position 25256, T replaced by C.
Protein change: p.Leu8419Pro; replaces leucine 8419 with proline.
Molecular consequence: missense variant.
Genome position (GRCh38, 1-based): chr2:151,490,413, A>G on the plus strand (T>C on the coding strand, the complement: NEB is on the minus strand). VCF-style: chr2-151490413-A-G. GRCh37 (hg19) VCF-style: chr2-152346927-A-G.
Other names: c.25256T>C, p.Leu8419Pro (NM_001164507.2); c.25361T>C, p.Leu8454Pro (NM_001271208.2); c.19688T>C, p.Leu6563Pro (NM_004543.5); c.19688T>C (NM_004543.4); short protein forms L8454P, L6563P, L8419P.
Identifiers: ClinVar variation 575526 (VCV000575526.8), dbSNP rs370819880, ClinGen allele CA1905768.